The following is an entry in ClinVar:

NM_000089.4(COL1A2):c.2140C>A (p.Arg714Ser)

Gene: COL1A2 (collagen type I alpha 2 chain; plus strand). Cytogenetic location: 7q21.3.
Variant type: single nucleotide variant.
Coding change: c.2140C>A on transcript NM_000089.4 (MANE Select); coding-DNA position 2140, C replaced by A.
Protein change: p.Arg714Ser; replaces arginine 714 with serine.
Molecular consequence: missense variant.
Genome position (GRCh38, 1-based): chr7:94,420,397, C>A. VCF-style: chr7-94420397-C-A. GRCh37 (hg19) VCF-style: chr7-94049709-C-A.
Other names: short protein forms R714S.
Identifiers: ClinVar variation 1786578 (VCV001786578.4), dbSNP rs770271259, ClinGen allele CA162935668.
Genomic context (GRCh38, chr7:94,420,397, plus strand): 5'-ACATTGATGAACCTAGGATTGATAACACATTTTTAAATCCCTTCTCCCACCTAGGGTGAA[C>A]GTGGTGAGGTCGGTCCTGCTGGCCCCAATGGATTTGCTGGTCCTGCTGTGAGTATCACAT-3'
Protein context (NP_000080.2, residues 704-724): PAGPRGSPGE[Arg714Ser]GEVGPAGPNG

ClinVar aggregate classification (germline): Uncertain significance. Review status: criteria provided, multiple submitters, no conflicts (2 of 4 stars). 2 submissions from 2 submitters: Uncertain significance (2). Last evaluated 2024-08-23.

Conditions:
Cardiovascular phenotype. Identifiers: MedGen CN230736.
Ehlers-Danlos syndrome, classic type, 1 (EDSCL1). Also called: Ehlers-Danlos syndrome, type 1; Ehlers-Danlos Syndrome, Classic Type, COL5A1-Related; EDS I; EHLERS-DANLOS SYNDROME, GRAVIS TYPE; EHLERS-DANLOS SYNDROME, SEVERE CLASSIC TYPE. Identifiers: MedGen C0268335, MONDO:0019567, OMIM 130000.
Osteogenesis imperfecta type I (OI1). Also called: Osteogenesis imperfecta type 1; Lobstein's Disease; Lobstein disease; OI, TYPE I; OSTEOGENESIS IMPERFECTA TARDA; OSTEOGENESIS IMPERFECTA WITH BLUE SCLERAE. Identifiers: Orphanet 216796, Orphanet 666, MedGen C0023931, MONDO:0008146, OMIM 166200. Disease mechanism: loss of function.

Submissions (2):

Labcorp Genetics (formerly Invitae), Labcorp
Classification: Uncertain significance for Osteogenesis imperfecta type I; Ehlers-Danlos syndrome, classic type, 1. Last evaluated: 2024-08-23. Review status: criteria provided, single submitter. Criteria: Invitae Variant Classification Sherloc (09022015). Collection method: clinical testing. Allele origin: germline.
Comment: This sequence change replaces arginine, which is basic and polar, with serine, which is neutral and polar, at codon 714 of the COL1A2 protein (p.Arg714Ser). This variant is not present in population databases (gnomAD no frequency). This missense change has been observed in individual(s) with clinical features of osteogenesis imperfecta (internal data). ClinVar contains an entry for this variant (Variation ID: 1786578). Invitae Evidence Modeling of protein sequence and biophysical properties (such as structural, functional, and spatial information, amino acid conservation, physicochemical variation, residue mobility, and thermodynamic stability) indicates that this missense variant is not expected to disrupt COL1A2 protein function with a negative predictive value of 80%. This variant disrupts the p.Arg714 amino acid residue in COL1A2. Other variant(s) that disrupt this residue have been observed in individuals with COL1A2-related conditions (PMID: 30715774), which suggests that this may be a clinically significant amino acid residue. In summary, the available evidence is currently insufficient to determine the role of this variant in disease. Therefore, it has been classified as a Variant of Uncertain Significance.

Ambry Genetics
Classification: Uncertain significance for Cardiovascular phenotype. Last evaluated: 2020-06-29. Review status: criteria provided, single submitter. Criteria: Ambry Variant Classification Scheme 2023. Collection method: clinical testing. Allele origin: germline.
Comment: The p.R714S variant (also known as c.2140C>A), located in coding exon 36 of the COL1A2 gene, results from a C to A substitution at nucleotide position 2140. The arginine at codon 714 is replaced by serine, an amino acid with dissimilar properties. This amino acid position is highly conserved in available vertebrate species. In addition, this alteration is predicted to be deleterious by in silico analysis. Since supporting evidence is limited at this time, the clinical significance of this alteration remains unclear.

Literature cited by the submitters: PubMed 30715774 (cited by Labcorp Genetics (formerly Invitae), Labcorp).